The following is an entry in ClinVar:

NM_000059.4(BRCA2):c.4609G>A (p.Glu1537Lys)

Gene: BRCA2 (BRCA2 DNA repair associated; plus strand). Cytogenetic location: 13q13.1.
Variant type: single nucleotide variant.
Coding change: c.4609G>A on transcript NM_000059.4 (MANE Select); coding-DNA position 4609, G replaced by A.
Protein change: p.Glu1537Lys; replaces glutamic acid 1537 with lysine.
Molecular consequence: missense variant.
Genome position (GRCh38, 1-based): chr13:32,338,964, G>A. VCF-style: chr13-32338964-G-A. GRCh37 (hg19) VCF-style: chr13-32913101-G-A.
Other names: 4837G>A; short protein forms E1537K.
Identifiers: ClinVar variation 209218 (VCV000209218.6), dbSNP rs753244927, ClinGen allele CA276192.

ClinVar aggregate classification (germline): Benign. Review status: reviewed by expert panel (3 of 4 stars). 3 submissions from 3 submitters: Benign (1). 2 of the submissions do not count toward it. Last evaluated 2015-08-10.

Conditions:
Hereditary cancer-predisposing syndrome. Also called: Neoplastic Syndromes, Hereditary; Hereditary Cancer Syndrome; Tumor predisposition; Hereditary neoplastic syndrome. Identifiers: Orphanet 140162, MedGen C0027672, MeSH D009386, MONDO:0015356.
Breast-ovarian cancer, familial, susceptibility to, 2 (BROVCA2). Also called: BRCA2 Hereditary Breast and Ovarian Cancer. Identifiers: Orphanet 145, MedGen C2675520, MONDO:0012933, OMIM 612555. Disease mechanism: loss of function.
Hereditary breast ovarian cancer syndrome. Also called: Hereditary breast and ovarian cancer; BRCA1- and BRCA2-Associated Hereditary Breast and Ovarian Cancer; Hereditary breast and ovarian cancer syndrome; Hereditary breast and ovarian cancer syndrome (HBOC); Breast and ovarian cancer; Hereditary breast and/or ovarian cancer syndrome. Identifiers: Orphanet 145, MedGen C0677776, MeSH D061325, MONDO:0003582. Disease mechanism: loss of function.

Submissions (3):

Evidence-based Network for the Interpretation of Germline Mutant Alleles (ENIGMA)
Classification: Benign for Breast-ovarian cancer, familial 2. Last evaluated: 2015-08-10. Review status: reviewed by expert panel. Criteria: ENIGMA BRCA1/2 Classification Criteria (2015). Collection method: curation. Allele origin: germline.
Comment: IARC class based on posterior probability from multifactorial likelihood analysis, thresholds for class as per Plon et al. 2008 (PMID: 18951446). Class 1 based on posterior probability = 0.0000424

Ambry Genetics
Classification: Uncertain significance for Hereditary cancer-predisposing syndrome. Last evaluated: 2026-04-05. Review status: criteria provided, single submitter. Criteria: Ambry Variant Classification Scheme 2023. Collection method: clinical testing. Allele origin: germline. Not counted in ClinVar's aggregate classification.
Comment: The p.E1537K variant (also known as c.4609G>A), located in coding exon 10 of the BRCA2 gene, results from a G to A substitution at nucleotide position 4609. The glutamic acid at codon 1537 is replaced by lysine, an amino acid with similar properties. This amino acid position is not well conserved in available vertebrate species. In addition, the in silico prediction for this alteration is inconclusive. Based on the available evidence, the clinical significance of this variant remains unclear.

Labcorp Genetics (formerly Invitae), Labcorp
Classification: Likely benign for Hereditary breast ovarian cancer syndrome. Last evaluated: 2024-04-26. Review status: criteria provided, single submitter. Criteria: Invitae Variant Classification Sherloc (09022015). Collection method: clinical testing. Allele origin: germline. Not counted in ClinVar's aggregate classification.

Literature cited by the submitters: PubMed 24212087 (cited by Evidence-based Network for the Interpretation of Germline Mutant Alleles (ENIGMA)).